The following is an entry in ClinVar:

NM_003647.3(DGKE):c.942C>G (p.Asn314Lys)

Gene: DGKE (diacylglycerol kinase epsilon; plus strand). Cytogenetic location: 17q22.
Variant type: single nucleotide variant.
Coding change: c.942C>G on transcript NM_003647.3 (MANE Select); coding-DNA position 942, C replaced by G.
Protein change: p.Asn314Lys; replaces asparagine 314 with lysine.
Molecular consequence: missense variant.
Genome position (GRCh38, 1-based): chr17:56,848,749, C>G. VCF-style: chr17-56848749-C-G. GRCh37 (hg19) VCF-style: chr17-54926110-C-G.
Other names: short protein forms N314K.
Identifiers: ClinVar variation 812708 (VCV000812708.2), dbSNP rs749415630, ClinGen allele CA399927850.
Genomic context (GRCh38, chr17:56,848,749, plus strand): 5'-ATTCTAGGGACAAGAAAAGTACATTCCACAAGTTGCAGTTTTGCCTCTGGGAACAGGCAA[C>G]GATCTATCCAATACATTGGGTTGGGGTACAGGTTATGCTGGAGAAATTCCAGTTGCGCAG-3'
Protein context (NP_003638.1, residues 304-324): QVAVLPLGTG[Asn314Lys]DLSNTLGWGT

ClinVar aggregate classification (germline): Conflicting classifications of pathogenicity. Review status: criteria provided, conflicting classifications (1 of 4 stars). 2 submissions from 2 submitters: Likely pathogenic (1); Uncertain significance (1). Last evaluated 2025-09-26.

Conditions:
Hemolytic uremic syndrome, atypical, susceptibility to, 1. Also called: AHUS, SUSCEPTIBILITY TO, 1. Identifiers: Orphanet 2134, Orphanet 90038, MedGen C2749604, MONDO:0009335, OMIM 235400. Disease mechanism: Other.
Atypical hemolytic-uremic syndrome. Identifiers: Orphanet 2134, MedGen C2931788, MONDO:0016244.

Submissions (2):

Genomenon, Inc
Classification: Uncertain significance for Atypical hemolytic-uremic syndrome. Last evaluated: 2025-09-26. Review status: criteria provided, single submitter. Criteria: Genomenon Sequence Variant Interpretation Standards - Updated. Collection method: curation. Allele origin: germline. Affected: yes.
Comment: DGKE p.Asn314Lys (c.942C>G) is a missense variant that changes the amino acid at residue 314 from Asparagine to Lysine. This variant has been observed in at least one proband affected with atypical hemolytic-uremic syndrome (PMID:32838746). It is absent or not present at a significant frequency in gnomAD. In conclusion, we classify DGKE p.Asn314Lys (c.942C>G) as a variant of uncertain significance.

Department of Medical Genetics and Molecular Biology, School of Medicine, Iran University of Medical Sciences
Classification: Likely pathogenic for Hemolytic uremic syndrome, atypical, susceptibility to, 1. Last evaluated: 2019-11-14. Review status: criteria provided, single submitter. Criteria: ACMG Guidelines, 2015. Collection method: research. Allele origin: germline. Inheritance: Autosomal recessive inheritance. Affected: yes. Observed: 1 homozygote.

Literature cited by the submitters: PubMed 32838746 (cited by Genomenon, Inc).